The following is an entry in ClinVar:

NM_001844.5(COL2A1):c.3490-1G>C

Gene: COL2A1 (collagen type II alpha 1 chain; minus strand). Cytogenetic location: 12q13.11.
Variant type: single nucleotide variant.
Coding change: c.3490-1G>C on transcript NM_001844.5 (MANE Select); the canonical splice acceptor site of the intron before coding-DNA position 3490, G replaced by C.
Molecular consequence: splice acceptor variant.
Genome position (GRCh38, 1-based): chr12:47,976,071, C>G on the plus strand (G>C on the coding strand, the complement: COL2A1 is on the minus strand). VCF-style: chr12-47976071-C-G. GRCh37 (hg19) VCF-style: chr12-48369854-C-G.
Other names: c.3283-1G>C (NM_033150.3).
Identifiers: ClinVar variation 3658918 (VCV003658918.2).

ClinVar aggregate classification (germline): Likely pathogenic (1 of 4 stars; one submission).

Submission:

Labcorp Genetics (formerly Invitae), Labcorp
Classification: Likely pathogenic. Last evaluated: 2024-07-06. Review status: criteria provided, single submitter. Criteria: Invitae Variant Classification Sherloc (09022015). Collection method: clinical testing. Allele origin: germline.
Comment: This sequence change affects an acceptor splice site in intron 49 of the COL2A1 gene. It is expected to disrupt RNA splicing. Variants that disrupt the donor or acceptor splice site typically lead to a loss of protein function (PMID: 16199547), and loss-of-function variants in COL2A1 are known to be pathogenic (PMID: 20179744). This variant is not present in population databases (gnomAD no frequency). Disruption of this splice site has been observed in individual(s) with clinical features of autosomal dominant COL2A1-related conditions (Invitae). Algorithms developed to predict the effect of sequence changes on RNA splicing suggest that this variant may disrupt the consensus splice site. In summary, the currently available evidence indicates that the variant is pathogenic, but additional data are needed to prove that conclusively. Therefore, this variant has been classified as Likely Pathogenic.

Literature cited by the submitters: PubMed 16199547; PubMed 20179744.